The following is an entry in ClinVar:

NM_022720.7(DGCR8):c.1281C>T (p.Val427=)

Gene: DGCR8 (DGCR8 microprocessor complex subunit; plus strand). Cytogenetic location: 22q11.21.
Variant type: single nucleotide variant.
Coding change: c.1281C>T on transcript NM_022720.7 (MANE Select); coding-DNA position 1281, C replaced by T.
Protein change: p.Val427=; no amino-acid change (valine 427 retained).
Molecular consequence: synonymous variant.
Genome position (GRCh38, 1-based): chr22:20,090,233, C>T. VCF-style: chr22-20090233-C-T. GRCh37 (hg19) VCF-style: chr22-20077756-C-T.
Other names: c.1281C>T, p.Val427= (NM_001190326.2).
Identifiers: ClinVar variation 784889 (VCV000784889.27), dbSNP rs113891618, ClinGen allele CA10106937.

ClinVar aggregate classification (germline): Benign. Review status: criteria provided, multiple submitters, no conflicts (2 of 4 stars). 3 submissions from 3 submitters: Benign (3). Last evaluated 2026-08-01.

Allele frequency attached by ClinVar (database versions not stated): 1000 Genomes Project 30x 0.00156; 1000 Genomes Project 0.00160; ESP Exome Variant Server 0.00616; TOPMed 0.00694; gnomAD 0.00736 and 0.00773; ExAC 0.00915.
gnomAD v4.1: 13,937 of 1,609,574 alleles (0.87%); highest among the groups gnomAD compares: Admixed American, 1%; 84 homozygotes.

Submissions (3):

CeGaT Center for Human Genetics Tuebingen
Classification: Benign. Last evaluated: 2026-08-01. Review status: criteria provided, single submitter. Criteria: CeGaT Center For Human Genetics Tuebingen Variant Classification Criteria Version 2. Collection method: clinical testing. Allele origin: germline. Affected: yes. Observed: 3 variant alleles.
Comment: DGCR8: BP4, BP7, BS1, BS2

Labcorp Genetics (formerly Invitae), Labcorp
Classification: Benign. Last evaluated: 2019-12-31. Review status: criteria provided, single submitter. Criteria: Invitae Variant Classification Sherloc (09022015). Collection method: clinical testing. Allele origin: germline.

Breakthrough Genomics
Classification: Benign. Review status: criteria provided, single submitter. Criteria: ACMG Guidelines, 2015. Collection method: not provided. Allele origin: germline. Inheritance: Unknown mechanism. Affected: yes.